The following is an entry in ClinVar:

NM_001394062.1(MACF1):c.17534C>T (p.Thr5845Ile)

Gene: MACF1 (microtubule actin crosslinking factor 1; plus strand). Cytogenetic location: 1p34.3.
Variant type: single nucleotide variant.
Coding change: c.17534C>T on transcript NM_001394062.1 (MANE Select); coding-DNA position 17534, C replaced by T.
Protein change: p.Thr5845Ile; replaces threonine 5845 with isoleucine.
Molecular consequence: missense variant.
Genome position (GRCh38, 1-based): chr1:39,433,124, C>T. VCF-style: chr1-39433124-C-T. GRCh37 (hg19) VCF-style: chr1-39898796-C-T.
Other names: c.5603C>T, p.Thr1868Ile (NM_001397473.1); c.11348C>T, p.Thr3783Ile (NM_012090.5); short protein forms T3783I, T1868I, T5845I.
Identifiers: ClinVar variation 2715109 (VCV002715109.3), dbSNP rs778176738, ClinGen allele CA783631.

ClinVar aggregate classification (germline): Uncertain significance (1 of 4 stars; one submission).

Allele frequency attached by ClinVar (database versions not stated): gnomAD exomes below 0.00001; ExAC 0.00001; TOPMed 0.00002; gnomAD 0.00003.
gnomAD v4.1: 6 of 1,610,804 alleles (0.00037%); highest among the groups gnomAD compares: African/African-American, 0.0067%; no homozygotes.

Submission:

Labcorp Genetics (formerly Invitae), Labcorp
Classification: Uncertain significance. Last evaluated: 2023-08-14. Review status: criteria provided, single submitter. Criteria: Invitae Variant Classification Sherloc (09022015). Collection method: clinical testing. Allele origin: germline.
Comment: In summary, the available evidence is currently insufficient to determine the role of this variant in disease. Therefore, it has been classified as a Variant of Uncertain Significance. An algorithm developed to predict the effect of missense changes on protein structure and function (PolyPhen-2) suggests that this variant is likely to be disruptive. This sequence change replaces threonine, which is neutral and polar, with isoleucine, which is neutral and non-polar, at codon 3783 of the MACF1 protein (p.Thr3783Ile). This variant is present in population databases (rs778176738, gnomAD 0.004%). This variant has not been reported in the literature in individuals affected with MACF1-related conditions.